The following is an entry in ClinVar:

ClinVar aggregate classification (germline): Uncertain significance (1 of 4 stars; one submission).

Conditions:
Hereditary spastic paraplegia. Also called: Familial spastic paraparesis. Identifiers: Orphanet 685, MedGen C0037773, MONDO:0019064. Disease mechanism: loss of function.

Allele frequency attached by ClinVar (database versions not stated): ExAC 0.00001; gnomAD 0.00001; gnomAD exomes 0.00001; TOPMed 0.00001.
gnomAD v4.1: 4 of 1,611,342 alleles (0.00025%); highest among the groups gnomAD compares: East Asian, 0.0022%; no homozygotes.

Submission:

Labcorp Genetics (formerly Invitae), Labcorp
Classification: Uncertain significance for Hereditary spastic paraplegia. Last evaluated: 2021-09-02. Review status: criteria provided, single submitter. Criteria: Invitae Variant Classification Sherloc (09022015). Collection method: clinical testing. Allele origin: germline.
Comment: This sequence change replaces glutamine with arginine at codon 487 of the USP8 protein (p.Gln487Arg). The glutamine residue is moderately conserved and there is a small physicochemical difference between glutamine and arginine. This variant is present in population databases (rs761395751, ExAC 0.007%). This variant has not been reported in the literature in individuals affected with USP8-related conditions. Algorithms developed to predict the effect of missense changes on protein structure and function (SIFT, PolyPhen-2, Align-GVGD) all suggest that this variant is likely to be tolerated. In summary, the available evidence is currently insufficient to determine the role of this variant in disease. Therefore, it has been classified as a Variant of Uncertain Significance.

NM_005154.5(USP8):c.1460A>G (p.Gln487Arg)

Gene: USP8 (ubiquitin specific peptidase 8; plus strand). Cytogenetic location: 15q21.2.
Variant type: single nucleotide variant.
Coding change: c.1460A>G on transcript NM_005154.5 (MANE Select); coding-DNA position 1460, A replaced by G.
Protein change: p.Gln487Arg; replaces glutamine 487 with arginine.
Molecular consequence: missense variant.
Genome position (GRCh38, 1-based): chr15:50,481,722, A>G. VCF-style: chr15-50481722-A-G. GRCh37 (hg19) VCF-style: chr15-50773919-A-G.
Other names: c.1460A>G, p.Gln487Arg (NM_001128610.3); c.1229A>G, p.Gln410Arg (NM_001283049.2); short protein forms Q487R, Q410R.
Identifiers: ClinVar variation 644754 (VCV000644754.6), dbSNP rs761395751, ClinGen allele CA7555722.